The following is an entry in ClinVar:

ClinVar aggregate classification (germline): Pathogenic (1 of 4 stars; one submission).

Submission:

Labcorp Genetics (formerly Invitae), Labcorp
Classification: Pathogenic. Last evaluated: 2022-07-02. Review status: criteria provided, single submitter. Criteria: Invitae Variant Classification Sherloc (09022015). Collection method: clinical testing. Allele origin: germline.
Comment: This variant is a gross deletion of the genomic region encompassing exon(s) 2-3 of the TNFRSF11A gene. This deletion is out-of-frame, and is expected to create a premature termination codon and result in an absent or disrupted protein product. Loss-of-function variants in TNFRSF11A are known to be pathogenic (PMID: 10677500, 18606301, 22271396). For these reasons, this variant has been classified as Pathogenic. This variant has not been reported in the literature in individuals affected with TNFRSF11A-related conditions.

Literature cited by the submitters: PubMed 10677500; PubMed 18606301; PubMed 22271396.

NC_000018.9:g.(?_60015381)_(60017190_?)del

Gene: TNFRSF11A (TNF receptor superfamily member 11a; plus strand). Cytogenetic location: 18q21.33.
Variant type: Deletion.
Identifiers: ClinVar variation 2424776 (VCV002424776.4).